The following is an entry in ClinVar:

NM_000038.6(APC):c.1313-18G>A

Gene: APC (APC regulator of Wnt signaling pathway; plus strand). Cytogenetic location: 5q22.2.
Variant type: single nucleotide variant.
Coding change: c.1313-18G>A on transcript NM_000038.6 (MANE Select); 18 bases into the intron before coding-DNA position 1313, G replaced by A.
Molecular consequence: intron variant.
Genome position (GRCh38, 1-based): chr5:112,821,878, G>A. VCF-style: chr5-112821878-G-A. GRCh37 (hg19) VCF-style: chr5-112157575-G-A.
Other names: c.1313-18G>A (NM_001354895.2, NM_001127510.3, NM_001354896.2); c.1343-18G>A (NM_001354897.2); c.1040-18G>A (NM_001354902.2); c.1259-18G>A (NM_001127511.3); c.1238-18G>A (NM_001354898.2); c.935-18G>A (NM_001354904.2); c.464-18G>A (NM_001354906.2); c.1010-18G>A (NM_001354903.2); and 3 more.
Identifiers: ClinVar variation 377489 (VCV000377489.12), dbSNP rs775118833, ClinGen allele CA027131.

ClinVar aggregate classification (germline): Likely benign. Review status: criteria provided, multiple submitters, no conflicts (2 of 4 stars). 4 submissions from 4 submitters: Likely benign (4). Last evaluated 2025-07-30.

Conditions:
Hereditary cancer-predisposing syndrome. Also called: Hereditary neoplastic syndrome; Hereditary Cancer Syndrome; Neoplastic Syndromes, Hereditary; Tumor predisposition. Identifiers: Orphanet 140162, MedGen C0027672, MeSH D009386, MONDO:0015356.
Familial adenomatous polyposis 1 (FAP1). Also called: FAMILIAL ADENOMATOUS POLYPOSIS 1, ATTENUATED; POLYPOSIS, ADENOMATOUS INTESTINAL. Identifiers: MedGen C2713442, MONDO:0021056, OMIM 175100. Disease mechanism: loss of function.

Allele frequency attached by ClinVar (database versions not stated): gnomAD 0.00001; gnomAD exomes 0.00001 and 0.00002; TOPMed 0.00001; ExAC 0.00002.
gnomAD v4.1: 26 of 1,585,872 alleles (0.0016%); highest among the groups gnomAD compares: Non-Finnish European, 0.0022%; no homozygotes.

Submissions (4):

Labcorp Genetics (formerly Invitae), Labcorp
Classification: Likely benign for Familial adenomatous polyposis 1. Last evaluated: 2025-07-30. Review status: criteria provided, single submitter. Criteria: Invitae Variant Classification Sherloc (09022015). Collection method: clinical testing. Allele origin: germline.

Myriad Genetics, Inc.
Classification: Likely benign for Familial adenomatous polyposis 1. Last evaluated: 2024-03-01. Review status: criteria provided, single submitter. Criteria: Myriad Autosomal Dominant, Autosomal Recessive and X-Linked Classification Criteria (2023). Collection method: clinical testing. Allele origin: unknown.
Comment: This variant is considered likely benign. This variant is intronic and is not expected to impact mRNA splicing.

Color Diagnostics, LLC DBA Color Health
Classification: Likely benign for Hereditary cancer-predisposing syndrome. Last evaluated: 2017-02-02. Review status: criteria provided, single submitter. Criteria: ACMG Guidelines, 2015. Collection method: clinical testing. Allele origin: germline.

GeneDx
Classification: Likely benign. Last evaluated: 2016-07-08. Review status: criteria provided, single submitter. Criteria: GeneDx Variant Classification (06012015). Collection method: clinical testing. Allele origin: germline. Affected: yes.
Comment: This variant is considered likely benign or benign based on one or more of the following criteria: it is a conservative change, it occurs at a poorly conserved position in the protein, it is predicted to be benign by multiple in silico algorithms, and/or has population frequency not consistent with disease.